The following is an entry in ClinVar:

ClinVar aggregate classification (germline): Uncertain significance. Review status: criteria provided, multiple submitters, no conflicts (2 of 4 stars). 2 submissions from 2 submitters: Uncertain significance (2). Last evaluated 2025-11-29.

Conditions:
Inborn genetic diseases. Identifiers: MedGen C0950123, MeSH D030342.
Mosaic variegated aneuploidy syndrome 2 (MVA2). Identifiers: Orphanet 1052, MedGen C3279843, MONDO:0013582, OMIM 614114.

gnomAD v4.1: 1 of 1,613,920 alleles (0.000062%); highest among the groups gnomAD compares: Admixed American, 0.0017%; no homozygotes.

Submissions (2):

Ambry Genetics
Classification: Uncertain significance for Inborn genetic diseases. Last evaluated: 2025-11-29. Review status: criteria provided, single submitter. Criteria: Ambry Variant Classification Scheme 2023. Collection method: clinical testing. Allele origin: germline.
Comment: The p.R325P variant (also known as c.974G>C), located in coding exon 9 of the CEP57 gene, results from a G to C substitution at nucleotide position 974. The arginine at codon 325 is replaced by proline, an amino acid with dissimilar properties. This amino acid position is conserved. In addition, the in silico prediction for this alteration is inconclusive. Based on the available evidence, the clinical significance of this variant remains unclear.

Labcorp Genetics (formerly Invitae), Labcorp
Classification: Uncertain significance for Mosaic variegated aneuploidy syndrome 2. Last evaluated: 2022-07-12. Review status: criteria provided, single submitter. Criteria: Invitae Variant Classification Sherloc (09022015). Collection method: clinical testing. Allele origin: germline.
Comment: In summary, the available evidence is currently insufficient to determine the role of this variant in disease. Therefore, it has been classified as a Variant of Uncertain Significance. Algorithms developed to predict the effect of missense changes on protein structure and function (SIFT, PolyPhen-2, Align-GVGD) all suggest that this variant is likely to be disruptive. This variant has not been reported in the literature in individuals affected with CEP57-related conditions. This variant is not present in population databases (gnomAD no frequency). This sequence change replaces arginine, which is basic and polar, with proline, which is neutral and non-polar, at codon 325 of the CEP57 protein (p.Arg325Pro).

NM_014679.5(CEP57):c.974G>C (p.Arg325Pro)

Gene: CEP57 (centrosomal protein 57; plus strand). Cytogenetic location: 11q21.
Variant type: single nucleotide variant.
Coding change: c.974G>C on transcript NM_014679.5 (MANE Select); coding-DNA position 974, G replaced by C.
Protein change: p.Arg325Pro; replaces arginine 325 with proline.
Molecular consequence: missense variant.
Genome position (GRCh38, 1-based): chr11:95,827,874, G>C. VCF-style: chr11-95827874-G-C. GRCh37 (hg19) VCF-style: chr11-95561038-G-C.
Other names: c.947G>C, p.Arg316Pro (NM_001243776.2); c.896G>C, p.Arg299Pro (NM_001243777.2); c.893G>C, p.Arg298Pro (NM_001363604.2); short protein forms R325P, R298P, R299P, R316P.
Identifiers: ClinVar variation 2030047 (VCV002030047.6), dbSNP rs1047306549, ClinGen allele CA382407849.